The following is an entry in ClinVar:

ClinVar aggregate classification (germline): Pathogenic. Review status: criteria provided, multiple submitters, no conflicts (2 of 4 stars). 3 submissions from 3 submitters: Pathogenic (3). Last evaluated 2025-05-27.

Conditions:
Okur-Chung neurodevelopmental syndrome (OCNDS). Identifiers: Orphanet 689422, MedGen C4310739, MONDO:0014893, OMIM 617062.

Submissions (3):

GeneDx
Classification: Pathogenic. Last evaluated: 2025-05-27. Review status: criteria provided, single submitter. Criteria: GeneDx Variant Classification Process June 2021. Collection method: clinical testing. Allele origin: germline. Affected: yes.
Comment: Not observed at significant frequency in large population cohorts (gnomAD); In silico analysis supports that this missense variant has a deleterious effect on protein structure/function; This variant is associated with the following publications: (PMID: 32371413, 33944995, 33057194, 35982159)

Genetics and Molecular Pathology, SA Pathology
Classification: Pathogenic for Okur-Chung neurodevelopmental syndrome. Last evaluated: 2023-01-31. Review status: criteria provided, single submitter. Criteria: ACMG Guidelines, 2015. Collection method: clinical testing. Allele origin: germline. Inheritance: Autosomal dominant inheritance. Affected: yes.
Comment: The CSNK2A1 c.468T>A variant is classified as Pathogenic (PS2, PS4_Supporting, PM5_Supporting, PM2, PP2, PP3) The CSNK2A1 c.468T>A variant is a single nucleotide change in exon 7/13 of the CSNK2A1 gene, which is predicted to change the amino acid aspartic acid at position 156 in the protein to glutamic acid. The variant has been reported once in the literature with a clinical presentation of Okur-Chung neurodevelopmental syndrome (Miller et al, 2020; PMID:32371413 (PS4_Supporting). This variant is absent from population databases (PM2). This is a missense variant in a constrained gene where missense variants are a common mechanism of disease and benign variation is rare (GnomAD Z-score= 3.71) (PP2). This variant is a missense change at an amino acid residue where a different missense change p.Asp156His has been seen before (Trinh et al, 2017; PMID: 28725024) (PM5_supporting). Computational predictions support a deleterious effect on the gene or gene product (PP3). The variant has been reported in dbSNP (rs1064795110) and in the HGMD database: CM2016384. It has been reported as Pathogenic/Likely pathogenic by other diagnostic laboratories (ClinVar Variation ID: 421395).

Institute for Genomic Medicine (IGM) Clinical Laboratory, Nationwide Children's Hospital
Classification: Pathogenic for Okur-Chung neurodevelopmental syndrome. Last evaluated: 2018-08-08. Review status: criteria provided, single submitter. Criteria: ACMG Guidelines, 2015. Collection method: clinical testing. Allele origin: germline. Affected: yes.
Comment: [ACMG/AMP: PS2, PM1, PM2, PM5, PP2, PP3, PP5] This alteration is de novo in origin as it was not detected in the submitted parental specimens (identity confirmed) [PS2], is located in a mutational hotspot and/or critical and well-established functional domain [PM1], is absent from or rarely observed in large-scale population databases [PM2], is a novel missense change at an amino residue where a different missense change has been deemed to be pathogenic [PM5], is a missense variant in a gene in which missense variants are a common mechanism of disease [PP2], is predicted to be damaging by multiple functional prediction tools [PP3], was reported as a pathogenic/likely pathogenic alteration by a reputable source (ClinVar or other correspondence from a clinical testing laboratory) [PP5].

Literature cited by the submitters: PubMed 28725024 (cited by Genetics and Molecular Pathology, SA Pathology); PubMed 32371413 (cited by Genetics and Molecular Pathology, SA Pathology).

NM_177559.3(CSNK2A1):c.468T>A (p.Asp156Glu)

Gene: CSNK2A1 (casein kinase 2 alpha 1; minus strand). Cytogenetic location: 20p13.
Variant type: single nucleotide variant.
Coding change: c.468T>A on transcript NM_177559.3 (MANE Select); coding-DNA position 468, T replaced by A.
Protein change: p.Asp156Glu; replaces aspartic acid 156 with glutamic acid.
Molecular consequence: missense variant.
Genome position (GRCh38, 1-based): chr20:495,761, A>T on the plus strand (T>A on the coding strand, the complement: CSNK2A1 is on the minus strand). VCF-style: chr20-495761-A-T. GRCh37 (hg19) VCF-style: chr20-476405-A-T.
Other names: c.468T>A, p.Asp156Glu (NM_001362770.2, NM_001362771.2, NM_001895.4); c.60T>A, p.Asp20Glu (NM_177560.3); short protein forms D156E, D20E.
Identifiers: ClinVar variation 421395 (VCV000421395.10), dbSNP rs1064795110, ClinGen allele CA16620934.